The following is an entry in ClinVar:

NM_080669.6(SLC46A1):c.*671C>T

Genes: SARM1 (sterile alpha and TIR motif containing 1; plus strand), SLC46A1 (solute carrier family 46 member 1; minus strand). Cytogenetic location: 17q11.2.
Variant type: single nucleotide variant.
Coding change: c.*671C>T on transcript NM_080669.6 (MANE Select); 671 bases downstream of the stop codon, C replaced by T.
Molecular consequence: 3 prime UTR variant.
Genome position (GRCh38, 1-based): chr17:28,398,985, G>A on the plus strand (C>T on the coding strand, the complement: SLC46A1 is on the minus strand). VCF-style: chr17-28398985-G-A. GRCh37 (hg19) VCF-style: chr17-26726001-G-A.
Other names: c.*671C>T (NM_001242366.3); c.*2699G>A (NM_015077.4).
Identifiers: ClinVar variation 892167 (VCV000892167.4), dbSNP rs41297123, ClinGen allele CA289112191.

ClinVar aggregate classification (germline): Benign (1 of 4 stars; one submission).

Conditions:
Congenital defect of folate absorption. Also called: Hereditary Folate Malabsorption. Identifiers: Orphanet 90045, MedGen C0342705, MONDO:0009238, OMIM 229050.

Allele frequency attached by ClinVar (database versions not stated): gnomAD 0.00026 and 0.00043; 1000 Genomes Project 0.00339; TOPMed 0.00054; 1000 Genomes Project 30x 0.00328.

Submission:

Illumina Laboratory Services, Illumina
Classification: Benign for Congenital defect of folate absorption. Last evaluated: 2017-04-27. Review status: criteria provided, single submitter. Criteria: ICSL Variant Classification Criteria 13 December 2019. Collection method: clinical testing. Allele origin: germline.
Comment: This variant was observed as part of a predisposition screen in an ostensibly healthy population. A literature search was performed for the gene, cDNA change, and amino acid change (where applicable). No publications were found based on this search. Allele frequency data from public databases was too high to be consistent with this variant causing disease. Therefore, this variant is classified as benign.